The following is an entry in ClinVar:

ClinVar aggregate classification (germline): Likely benign. Review status: criteria provided, multiple submitters, no conflicts (2 of 4 stars). 2 submissions from 2 submitters: Likely benign (2). Last evaluated 2025-06-19.

Conditions:
Charcot-Marie-Tooth disease dominant intermediate C (CMTDIC). Also called: CHARCOT-MARIE-TOOTH NEUROPATHY, DOMINANT INTERMEDIATE C. Identifiers: Orphanet 100045, MedGen C1842237, MONDO:0012012, OMIM 608323.
YARS1-related disorder. Also called: YARS1-related condition.

Allele frequency attached by ClinVar (database versions not stated): gnomAD exomes 0.00001 and 0.00003; ExAC 0.00004; TOPMed 0.00010; gnomAD 0.00013; 1000 Genomes Project 30x 0.00047; 1000 Genomes Project 0.00060.

Submissions (2):

PreventionGenetics, part of Exact Sciences
Classification: Likely benign for YARS1-related condition. Last evaluated: 2025-06-19. Review status: criteria provided, single submitter. Criteria: ACMG Guidelines, 2015. Collection method: clinical testing. Allele origin: germline.
Comment: This variant is classified as likely benign based on ACMG/AMP sequence variant interpretation guidelines (Richards et al. 2015 PMID: 25741868, with internal and published modifications).

Labcorp Genetics (formerly Invitae), Labcorp
Classification: Likely benign for Charcot-Marie-Tooth disease dominant intermediate C. Last evaluated: 2025-05-15. Review status: criteria provided, single submitter. Criteria: Invitae Variant Classification Sherloc (09022015). Collection method: clinical testing. Allele origin: germline.

NM_003680.4(YARS1):c.1002A>G (p.Lys334=)

Gene: YARS1 (tyrosyl-tRNA synthetase 1; minus strand). Cytogenetic location: 1p35.1.
Variant type: single nucleotide variant.
Coding change: c.1002A>G on transcript NM_003680.4 (MANE Select); coding-DNA position 1002, A replaced by G.
Protein change: p.Lys334=; no amino-acid change (lysine 334 retained).
Molecular consequence: synonymous variant.
Genome position (GRCh38, 1-based): chr1:32,782,444, T>C on the plus strand (A>G on the coding strand, the complement: YARS1 is on the minus strand). VCF-style: chr1-32782444-T-C. GRCh37 (hg19) VCF-style: chr1-33248045-T-C.
Other names: c.1002A>G (NM_003680.3).
Identifiers: ClinVar variation 1681500 (VCV001681500.9), dbSNP rs551640148, ClinGen allele CA745031.